The following is an entry in ClinVar:

ClinVar aggregate classification (germline): Conflicting classifications of pathogenicity. Review status: criteria provided, conflicting classifications (1 of 4 stars). 5 submissions from 5 submitters: Uncertain significance (4); Likely benign (1). Last evaluated 2023-11-09.

Conditions:
Oto-palato-digital syndrome, type II (OPD2). Also called: FACIOPALATOOSSEOUS SYNDROME; Otopalatodigital Syndrome, Type II; OPD II SYNDROME; Otopalatodigital Syndrome Type 2 (FLNA-OPD2). Identifiers: Orphanet 669, Orphanet 90652, MedGen C1844696, MONDO:0010571, OMIM 304120.
Heterotopia, periventricular, X-linked dominant (PVNH1). Also called: PERIVENTRICULAR NODULAR HETEROTOPIA 4; HETEROTOPIA, PERIVENTRICULAR, 1; PERIVENTRICULAR NODULAR HETEROTOPIA 1; X-linked periventricular heterotopia. Identifiers: Orphanet 2149, Orphanet 82004, MedGen C1848213, MONDO:0010233, OMIM 300049.
Frontometaphyseal dysplasia (FMD1). Identifiers: Orphanet 1826, MedGen C0265293, MONDO:0015942.
Melnick-Needles syndrome (MNS). Also called: MELNICK-NEEDLES OSTEODYSPLASTY; OSTEODYSPLASTY OF MELNICK AND NEEDLES; Melnick-Needles Syndrome (FLNA-MNS). Identifiers: Orphanet 2484, MedGen C0025237, MONDO:0010650, OMIM 309350.
Familial thoracic aortic aneurysm and aortic dissection (TAAD). Also called: Thoracic aortic aneurysms and dissections. Identifiers: Orphanet 91387, MedGen C4707243, MONDO:0019625.

Allele frequency attached by ClinVar (database versions not stated): TOPMed 0.00001; gnomAD exomes below 0.00001 and 0.00001; ExAC 0.00001.

Submissions (5):

Blueprint Genetics
Classification: Uncertain significance. Last evaluated: 2023-11-09. Review status: criteria provided, single submitter. Criteria: ACMG Guidelines, 2015. Collection method: clinical testing. Allele origin: germline.

Ambry Genetics
Classification: Uncertain significance for Familial thoracic aortic aneurysm and aortic dissection. Last evaluated: 2023-10-23. Review status: criteria provided, single submitter. Criteria: Ambry Variant Classification Scheme 2023. Collection method: clinical testing. Allele origin: germline.

Labcorp Genetics (formerly Invitae), Labcorp
Classification: Likely benign for Oto-palato-digital syndrome, type II; Heterotopia, periventricular, X-linked dominant; Frontometaphyseal dysplasia; Melnick-Needles syndrome. Last evaluated: 2022-11-04. Review status: criteria provided, single submitter. Criteria: Invitae Variant Classification Sherloc (09022015). Collection method: clinical testing. Allele origin: germline.

GeneDx
Classification: Uncertain significance. Last evaluated: 2022-11-03. Review status: criteria provided, single submitter. Criteria: GeneDx Variant Classification Process June 2021. Collection method: clinical testing. Allele origin: germline. Affected: yes.
Comment: In silico analysis supports that this missense variant does not alter protein structure/function; Has not been previously published as pathogenic or benign to our knowledge

Eurofins Ntd Llc (ga)
Classification: Uncertain significance. Last evaluated: 2016-03-25. Review status: criteria provided, single submitter. Criteria: EGL Classification Definitions 2015. Collection method: clinical testing. Allele origin: germline. Observed: 1 variant allele, 1 heterozygote.

NM_001110556.2(FLNA):c.6047C>T (p.Thr2016Met)

Gene: FLNA (filamin A; minus strand). Cytogenetic location: Xq28.
Variant type: single nucleotide variant.
Coding change: c.6047C>T on transcript NM_001110556.2 (MANE Select); coding-DNA position 6047, C replaced by T.
Protein change: p.Thr2016Met; replaces threonine 2016 with methionine.
Molecular consequence: missense variant.
Genome position (GRCh38, 1-based): chrX:154,353,180, G>A on the plus strand (C>T on the coding strand, the complement: FLNA is on the minus strand). VCF-style: chrX-154353180-G-A. GRCh37 (hg19) VCF-style: chrX-153581548-G-A.
Other names: c.6023C>T, p.Thr2008Met (NM_001456.4); short protein forms T2008M, T2016M.
Identifiers: ClinVar variation 286707 (VCV000286707.17), dbSNP rs781946802, ClinGen allele CA10560171.